The following is an entry in ClinVar:

NM_024675.4(PALB2):c.1144A>C (p.Ser382Arg)

Gene: PALB2 (partner and localizer of BRCA2; minus strand). Cytogenetic location: 16p12.2.
Variant type: single nucleotide variant.
Coding change: c.1144A>C on transcript NM_024675.4 (MANE Select); coding-DNA position 1144, A replaced by C.
Protein change: p.Ser382Arg; replaces serine 382 with arginine.
Molecular consequence: missense variant.
Genome position (GRCh38, 1-based): chr16:23,635,402, T>G on the plus strand (A>C on the coding strand, the complement: PALB2 is on the minus strand). VCF-style: chr16-23635402-T-G. GRCh37 (hg19) VCF-style: chr16-23646723-T-G.
Other names: short protein forms S382R.
Identifiers: ClinVar variation 410114 (VCV000410114.22), dbSNP rs1060502737, ClinGen allele CA16614900.

ClinVar aggregate classification (germline): Conflicting classifications of pathogenicity. Review status: criteria provided, conflicting classifications (1 of 4 stars). 3 submissions from 3 submitters: Uncertain significance (2); Likely benign (1). Last evaluated 2025-02-05.

Conditions:
Hereditary cancer-predisposing syndrome. Also called: Tumor predisposition; Hereditary Cancer Syndrome; Hereditary neoplastic syndrome; Neoplastic Syndromes, Hereditary. Identifiers: Orphanet 140162, MedGen C0027672, MeSH D009386, MONDO:0015356.
Familial cancer of breast. Also called: BREAST CANCER, FAMILIAL; Hereditary breast cancer; hereditary breast carcinoma. Identifiers: Orphanet 227535, MedGen C0346153, MONDO:0016419, OMIM 114480. Disease mechanism: loss of function.

Allele frequency attached by ClinVar (database versions not stated): gnomAD exomes below 0.00001.
gnomAD v4.1: 3 of 1,614,102 alleles (0.00019%); highest among the groups gnomAD compares: Non-Finnish European, 0.00025%; no homozygotes.

Submissions (3):

Labcorp Genetics (formerly Invitae), Labcorp
Classification: Uncertain significance for Familial cancer of breast. Last evaluated: 2025-02-05. Review status: criteria provided, single submitter. Criteria: Invitae Variant Classification Sherloc (09022015). Collection method: clinical testing. Allele origin: germline.
Comment: This sequence change replaces serine, which is neutral and polar, with arginine, which is basic and polar, at codon 382 of the PALB2 protein (p.Ser382Arg). This variant is not present in population databases (gnomAD no frequency). This variant has not been reported in the literature in individuals affected with PALB2-related conditions. ClinVar contains an entry for this variant (Variation ID: 410114). Invitae Evidence Modeling of protein sequence and biophysical properties (such as structural, functional, and spatial information, amino acid conservation, physicochemical variation, residue mobility, and thermodynamic stability) has been performed for this missense variant. However, the output from this modeling did not meet the statistical confidence thresholds required to predict the impact of this variant on PALB2 protein function. In summary, the available evidence is currently insufficient to determine the role of this variant in disease. Therefore, it has been classified as a Variant of Uncertain Significance.

Ambry Genetics
Classification: Likely benign for Hereditary cancer-predisposing syndrome. Last evaluated: 2024-03-27. Review status: criteria provided, single submitter. Criteria: Ambry Variant Classification Scheme 2023. Collection method: clinical testing. Allele origin: germline.

Color Diagnostics, LLC DBA Color Health
Classification: Uncertain significance for Hereditary cancer-predisposing syndrome. Last evaluated: 2021-02-17. Review status: criteria provided, single submitter. Criteria: ACMG Guidelines, 2015. Collection method: clinical testing. Allele origin: germline.
Comment: This missense variant replaces serine with arginine at codon 382 of the PALB2 protein. Computational prediction suggests that this variant may not impact protein structure and function (internally defined REVEL score threshold <= 0.5, PMID: 27666373). To our knowledge, functional studies have not been reported for this variant. This variant has not been reported in individuals affected with hereditary cancer in the literature. This variant has not been identified in the general population by the Genome Aggregation Database (gnomAD). The available evidence is insufficient to determine the role of this variant in disease conclusively. Therefore, this variant is classified as a Variant of Uncertain Significance.